The following is an entry in ClinVar:

ClinVar aggregate classification (germline): Pathogenic/Likely pathogenic. Review status: criteria provided, multiple submitters, no conflicts (2 of 4 stars). 3 submissions from 3 submitters: Pathogenic (2); Likely pathogenic (1). Last evaluated 2024-07-22.

Conditions:
Mucopolysaccharidosis type 1. Also called: Mucopolysaccharidosis Type I; IDUA deficiency; MPS I. Identifiers: Orphanet 579, MedGen C0023786, MONDO:0001586.
Mucopolysaccharidosis, MPS-I-H/S. Also called: Mucopolysaccharidosis type IH/S. Identifiers: Orphanet 93476, MedGen C0086431, MONDO:0011759, OMIM 607015.

gnomAD v4.1: 4 of 1,600,618 alleles (0.00025%); highest among the groups gnomAD compares: Non-Finnish European, 0.00034%; no homozygotes.

Submissions (3):

Natera, Inc.
Classification: Pathogenic for Mucopolysaccharidosis type I. Last evaluated: 2024-07-22. Review status: criteria provided, single submitter. Criteria: Natera Variant Classification Schema (03/2026). Collection method: clinical testing. Allele origin: germline.
Comment: The c.606C>G variant in IDUA is a nonsense variant predicted to introduce a stop codon at amino acid 202. This variant is expected to result in nonsense mediated decay, truncation, or a dysfunctional protein product. This variant is rare in the general population with a frequency below the threshold expected for the associated phenotype(s). This variant has been observed in one or more individuals affected with the associated recessive disease, as either homozygous or compound heterozygous with a second variant (PMID: 17606547, 26551775, 31194252). Given the available evidence, this variant is classified as Pathogenic.

Labcorp Genetics (formerly Invitae), Labcorp
Classification: Pathogenic for Mucopolysaccharidosis type 1. Last evaluated: 2022-02-08. Review status: criteria provided, single submitter. Criteria: Invitae Variant Classification Sherloc (09022015). Collection method: clinical testing. Allele origin: germline.
Comment: This premature translational stop signal has been observed in individual(s) with clinical features of mucopolysaccharidosis type I (PMID: 12559846). This sequence change creates a premature translational stop signal (p.Tyr202*) in the IDUA gene. It is expected to result in an absent or disrupted protein product. Loss-of-function variants in IDUA are known to be pathogenic (PMID: 11735025, 21480867). This variant is present in population databases (no rsID available, gnomAD 0.001%). ClinVar contains an entry for this variant (Variation ID: 1073056). Algorithms developed to predict the effect of sequence changes on RNA splicing suggest that this variant may create or strengthen a splice site. For these reasons, this variant has been classified as Pathogenic.

Neuberg Centre For Genomic Medicine, NCGM
Classification: Likely pathogenic for Mucopolysaccharidosis, MPS-I-H/S. Review status: criteria provided, single submitter. Criteria: ACMG Guidelines, 2015. Collection method: clinical testing. Allele origin: germline. Affected: yes.
Comment: The stop gained p.Y202* in IDUA (NM_000203.4) has not been reported previously as a pathogenic variant nor as a benign variant, to our knowledge. The p.Y202* variant is observed in 1/1,05,660 (0.0009%) alleles from individuals of European (Non-Finnish) background in gnomAD Exomes and is novel (not in any individuals) in 1000 Genomes. This variant is predicted to cause loss of normal protein function through protein truncation. For these reasons, this variant has been classified as Likely Pathogenic.

Literature cited by the submitters: PubMed 17606547 (cited by Natera, Inc.); PubMed 26551775 (cited by Natera, Inc.); PubMed 31194252 (cited by Natera, Inc.); PubMed 12559846 (cited by Labcorp Genetics (formerly Invitae), Labcorp); PubMed 11735025 (cited by Labcorp Genetics (formerly Invitae), Labcorp); PubMed 21480867 (cited by Labcorp Genetics (formerly Invitae), Labcorp).

NM_000203.5(IDUA):c.606C>G (p.Tyr202Ter)

Gene: IDUA (alpha-L-iduronidase; plus strand). Cytogenetic location: 4p16.3.
Variant type: single nucleotide variant.
Coding change: c.606C>G on transcript NM_000203.5 (MANE Select); coding-DNA position 606, C replaced by G.
Protein change: p.Tyr202Ter; replaces tyrosine 202 with a stop codon.
Molecular consequence: nonsense. On other transcripts: non-coding transcript variant (1).
Genome position (GRCh38, 1-based): chr4:1,001,695, C>G. VCF-style: chr4-1001695-C-G. GRCh37 (hg19) VCF-style: chr4-995483-C-G.
Other names: c.210C>G, p.Tyr70Ter (NM_001363576.1); c.606C>G (NM_000203.4); short protein forms Y202*, Y70*.
Identifiers: ClinVar variation 1073056 (VCV001073056.16), dbSNP rs1033313360, ClinGen allele CA355961908.